The following is an entry in ClinVar:

ClinVar aggregate classification (germline): Pathogenic/Likely pathogenic. Review status: criteria provided, multiple submitters, no conflicts (2 of 4 stars). 2 submissions from 2 submitters: Pathogenic (1); Likely pathogenic (1). Last evaluated 2025-12-20.

Conditions:
Short-rib thoracic dysplasia 11 with or without polydactyly (SRTD11). Also called: SHORT-RIB THORACIC DYSPLASIA 11 WITHOUT POLYDACTYLY. Identifiers: Orphanet 474, Orphanet 93271, MedGen C3810200, MONDO:0014287, OMIM 615633.

Submissions (2):

Labcorp Genetics (formerly Invitae), Labcorp
Classification: Pathogenic for Short-rib thoracic dysplasia 11 with or without polydactyly. Last evaluated: 2025-12-20. Review status: criteria provided, single submitter. Criteria: Invitae Variant Classification Sherloc (09022015). Collection method: clinical testing. Allele origin: germline.
Comment: This sequence change creates a premature translational stop signal (p.Pro32Argfs*87) in the WDR34 gene. It is expected to result in an absent or disrupted protein product. Loss-of-function variants in WDR34 are known to be pathogenic (PMID: 24183449, 24183451, 28379358). This variant is present in population databases (no rsID available, gnomAD 0.005%). This variant has not been reported in the literature in individuals affected with WDR34-related conditions. ClinVar contains an entry for this variant (Variation ID: 3622387). For these reasons, this variant has been classified as Pathogenic.

Variantyx, Inc.
Classification: Likely pathogenic for Short-rib thoracic dysplasia 11 with or without polydactyly. Last evaluated: 2025-10-23. Review status: criteria provided, single submitter. Criteria: Variantyx Assertion Criteria 2022. Collection method: clinical testing. Allele origin: germline. Inheritance: Autosomal recessive inheritance. Affected: no.
Comment: This is a frameshift variant in the DYNC2I2 gene (OMIM: 613363). Pathogenic variants in this gene have been associated with autosomal recessive short rib thoracic dysplasia 11 with or without polydactyly. This variant introduces a premature termination codon in exon 1 out of 9 and is expected to result in loss of function, which is a known disease mechanism for DYNC2I2 in this disorder (PMID: 24183449, 24183451, 28379358) (PVS1). This variant has a 0.0067% maximum allele frequency in non-founder control populations (PM2). Based on the current evidence, this variant is classified as likely pathogenic for autosomal recessive short rib thoracic dysplasia 11 with or without polydactyly.

Literature cited by the submitters: PubMed 24183449 (cited by Labcorp Genetics (formerly Invitae), Labcorp and Variantyx, Inc.); PubMed 24183451 (cited by Labcorp Genetics (formerly Invitae), Labcorp and Variantyx, Inc.); PubMed 28379358 (cited by Labcorp Genetics (formerly Invitae), Labcorp and Variantyx, Inc.).

NM_052844.4(DYNC2I2):c.93_108del (p.Pro32fs)

Gene: DYNC2I2 (dynein 2 intermediate chain 2; minus strand). Cytogenetic location: 9q34.11.
Variant type: Deletion.
Coding change: c.93_108del on transcript NM_052844.4 (MANE Select); coding-DNA positions 93 to 108, 16 bases deleted (GCCGGGGCGGCCAGGG).
Protein change: p.Pro32fs; shifts the reading frame from proline 32.
Molecular consequence: frameshift variant.
Genome position (GRCh38, 1-based): chr9:128,656,619-128,656,634, CCCTGGCCGCCCCGGC deleted on the plus strand (GCCGGGGCGGCCAGGG on the coding strand, the reverse complement: DYNC2I2 is on the minus strand); deleting any 16 consecutive bases within chr9:128,656,619-128,656,637 gives the same sequence; the c. name uses the placement nearest the transcript's 3' end. VCF-style (leftmost placement, unchanged base first): chr9-128656618-GCCCTGGCCGCCCCGGC-G. GRCh37 (hg19) VCF-style: chr9-131418897-GCCCTGGCCGCCCCGGC-G.
Other names: short protein forms P32fs.
Identifiers: ClinVar variation 3622387 (VCV003622387.2).